The following is an entry in ClinVar:

NM_207391.3(RGS9BP):c.581C>T (p.Ser194Phe)

Gene: RGS9BP (regulator of G protein signaling 9 binding protein; plus strand). Cytogenetic location: 19q13.11.
Variant type: single nucleotide variant.
Coding change: c.581C>T on transcript NM_207391.3 (MANE Select); coding-DNA position 581, C replaced by T.
Protein change: p.Ser194Phe; replaces serine 194 with phenylalanine.
Molecular consequence: missense variant.
Genome position (GRCh38, 1-based): chr19:32,676,844, C>T. VCF-style: chr19-32676844-C-T. GRCh37 (hg19) VCF-style: chr19-33167750-C-T.
Other names: short protein forms S194F.
Identifiers: ClinVar variation 2081115 (VCV002081115.4), dbSNP rs2513250121, ClinGen allele CA405187239.

ClinVar aggregate classification (germline): Uncertain significance (1 of 4 stars; one submission).

Submission:

Labcorp Genetics (formerly Invitae), Labcorp
Classification: Uncertain significance. Last evaluated: 2023-05-08. Review status: criteria provided, single submitter. Criteria: Invitae Variant Classification Sherloc (09022015). Collection method: clinical testing. Allele origin: germline.
Comment: This sequence change replaces serine, which is neutral and polar, with phenylalanine, which is neutral and non-polar, at codon 194 of the RGS9BP protein (p.Ser194Phe). This variant is not present in population databases (gnomAD no frequency). This variant has not been reported in the literature in individuals affected with RGS9BP-related conditions. ClinVar contains an entry for this variant (Variation ID: 2081115). An algorithm developed to predict the effect of missense changes on protein structure and function (PolyPhen-2) suggests that this variant is likely to be disruptive. In summary, the available evidence is currently insufficient to determine the role of this variant in disease. Therefore, it has been classified as a Variant of Uncertain Significance.